The following is an entry in ClinVar:

NM_000204.5(CFI):c.1581C>T (p.Gly527=)

Gene: CFI (complement factor I; minus strand). Cytogenetic location: 4q25.
Variant type: single nucleotide variant.
Coding change: c.1581C>T on transcript NM_000204.5 (MANE Select); coding-DNA position 1581, C replaced by T.
Protein change: p.Gly527=; no amino-acid change (glycine 527 retained).
Molecular consequence: synonymous variant. On other transcripts: non-coding transcript variant (3), intron variant (5).
Genome position (GRCh38, 1-based): chr4:109,741,064, G>A on the plus strand (C>T on the coding strand, the complement: CFI is on the minus strand). VCF-style: chr4-109741064-G-A. GRCh37 (hg19) VCF-style: chr4-110662220-G-A.
Other names: c.1605C>T, p.Gly535= (NM_001318057.2); c.1560C>T, p.Gly520= (NM_001331035.2); c.1524C>T, p.Gly508= (NM_001375283.1); c.972C>T, p.Gly324= (NM_001375284.1); c.1513+1427C>T (NM_001375282.1, NM_001375280.1); c.1534+1427C>T (NM_001375281.1, NM_001375279.1); c.1558+1427C>T (NM_001375278.1).
Identifiers: ClinVar variation 347148 (VCV000347148.18), dbSNP rs181378677, ClinGen allele CA3041856.

ClinVar aggregate classification (germline): Benign/Likely benign. Review status: criteria provided, multiple submitters, no conflicts (2 of 4 stars). 5 submissions from 5 submitters: Benign (2); Likely benign (3). Last evaluated 2026-01-27.

Conditions:
Atypical hemolytic-uremic syndrome with I factor anomaly. Also called: HEMOLYTIC UREMIC SYNDROME, ATYPICAL, SUSCEPTIBILITY TO, 3; AHUS, SUSCEPTIBILITY TO, 3. Identifiers: Orphanet 2134, MedGen C2752039, MONDO:0013041, OMIM 612923.
Age related macular degeneration 13. Identifiers: MedGen C3809523, MONDO:0014189, OMIM 615439.
Factor I deficiency (CFID). Also called: Complement factor I deficiency. Identifiers: Orphanet 200418, MedGen C3463916, MONDO:0012594, OMIM 610984.
Kidney disorder. Also called: Kidney disease; Kidney Diseases; renal disorder; renal disease; Nephropathy. Identifiers: MedGen C0022658, MONDO:0005240, HP:0000112.

Allele frequency attached by ClinVar (database versions not stated): gnomAD 0.00015 and 0.00021; TOPMed 0.00026; ExAC 0.00030; 1000 Genomes Project 0.00220; 1000 Genomes Project 30x 0.00250.
gnomAD v4.1: 184 of 1,614,138 alleles (0.011%); highest among the groups gnomAD compares: East Asian, 0.35%; 1 homozygote.

Submissions (5):

Labcorp Genetics (formerly Invitae), Labcorp
Classification: Benign. Last evaluated: 2026-01-27. Review status: criteria provided, single submitter. Criteria: Invitae Variant Classification Sherloc (09022015). Collection method: clinical testing. Allele origin: germline.

Blueprint Genetics
Classification: Likely benign. Last evaluated: 2024-05-03. Review status: criteria provided, single submitter. Criteria: ACMG Guidelines, 2015. Collection method: clinical testing. Allele origin: germline.

Fulgent Genetics
Classification: Likely benign for Factor I deficiency; Atypical hemolytic-uremic syndrome with I factor anomaly; Age related macular degeneration 13. Last evaluated: 2022-02-07. Review status: criteria provided, single submitter. Criteria: ACMG Guidelines, 2015. Collection method: clinical testing. Allele origin: unknown.

Genome Diagnostics Laboratory, The Hospital for Sick Children
Classification: Likely benign for Kidney disorder. Last evaluated: 2021-06-24. Review status: criteria provided, single submitter. Criteria: ACMG Guidelines, 2015. Collection method: clinical testing. Allele origin: germline.

Illumina Laboratory Services, Illumina
Classification: Benign for Atypical hemolytic-uremic syndrome with I factor anomaly. Last evaluated: 2018-01-13. Review status: criteria provided, single submitter. Criteria: ICSL Variant Classification Criteria 13 December 2019. Collection method: clinical testing. Allele origin: germline.
Comment: This variant was observed in the ICSL laboratory as part of a predisposition screen in an ostensibly healthy population. It had not been previously curated by ICSL or reported in the Human Gene Mutation Database (HGMD: prior to June 1st, 2018), and was therefore a candidate for classification through an automated scoring system. Utilizing variant allele frequency, disease prevalence and penetrance estimates, and inheritance mode, an automated score was calculated to assess if this variant is too frequent to cause the disease. Based on the score and internal cut-off values, a variant classified as benign is not then subjected to further curation. The score for this variant resulted in a classification of benign for this disease.